The following is an entry in ClinVar:

NM_004006.3(DMD):c.9180del (p.Trp3061fs)

Gene: DMD (dystrophin; minus strand). Cytogenetic location: Xp21.2.
Variant type: Deletion.
Coding change: c.9180del on transcript NM_004006.3 (MANE Select); coding-DNA position 9180, one base deleted (C; older notation c.9180delC).
Protein change: p.Trp3061fs; shifts the reading frame from tryptophan 3061.
Molecular consequence: frameshift variant.
Genome position (GRCh38, 1-based): chrX:31,323,642, G deleted on the plus strand (C on the coding strand, the reverse complement: DMD is on the minus strand); the first of 3 consecutive G bases (chrX:31,323,642-31,323,644); deleting any one gives the same sequence. VCF-style (leftmost placement, unchanged base first): chrX-31323641-AG-A. GRCh37 (hg19) VCF-style: chrX-31341758-AG-A.
Other names: c.9180delC (NM_004006.2); c.9156del, p.Trp3053fs (NM_000109.4); c.9168del, p.Trp3057fs (NM_004009.3); c.8811del, p.Trp2938fs (NM_004010.3); c.5157del, p.Trp1720fs (NM_004011.4); c.5148del, p.Trp1717fs (NM_004012.4); c.1800del, p.Trp601fs (NM_004013.3, NM_004020.4, NM_004021.3 and 2 more transcripts); c.993del, p.Trp332fs (NM_004014.3); short protein forms W2938fs, W3061fs, W1717fs, W3053fs, W601fs, W1720fs, W332fs, W3057fs.
Identifiers: ClinVar variation 618064 (VCV000618064.9), dbSNP rs1569526156, ClinGen allele CA913191002.

ClinVar aggregate classification (germline): Pathogenic (1 of 4 stars; one submission).

Submission:

ARUP Laboratories, Molecular Genetics and Genomics, ARUP Laboratories
Classification: Pathogenic. Last evaluated: 2018-08-24. Review status: criteria provided, single submitter. Criteria: ARUP Molecular Germline Variant Investigation Process. Collection method: clinical testing. Allele origin: germline.
Comment: The p.Trp3061fs variant has not been reported in the medical literature, is not listed in gene-specific variant databases, nor has it been previously identified in our laboratory. It is also absent from general population databases such as 1000 Genomes, the NHLBI GO Exome Sequencing Project (ESP), and the Genome Aggregation Database (gnomAD) browser. Deletion of the cytosine at nucleotide 9180 causes a frameshift in the DMD gene at codon 3061 in exon 62, which creates a premature termination codon and is predicted to result in a truncated or absent protein product. Other truncating variants in exon 62 of DMD have been reported in patients with muscular dystrophy (Buzin 2005, Flanigan 2009, and Kekou 1999). Therefore, based on the available information, the p.Trp3061fs variant is classified as pathogenic.